The following is an entry in ClinVar:

ClinVar aggregate classification (germline): Benign. Review status: criteria provided, multiple submitters, no conflicts (2 of 4 stars). 2 submissions from 2 submitters: Benign (2). Last evaluated 2021-02-24.

Allele frequency attached by ClinVar (database versions not stated): gnomAD exomes 0.58879; gnomAD 0.65529 and 0.65772; TOPMed 0.67209; 1000 Genomes Project 30x 0.71768; 1000 Genomes Project 0.71865.
gnomAD v4.1: 100,227 of 152,482 alleles (66%); highest among the groups gnomAD compares: East Asian, 89%; 33,694 homozygotes.

Submissions (2):

GeneDx
Classification: Benign. Last evaluated: 2021-02-24. Review status: criteria provided, single submitter. Criteria: GeneDx Variant Classification Process June 2021. Collection method: clinical testing. Allele origin: germline. Affected: yes.
Comment: This variant is associated with the following publications: (PMID: 26506053)

Breakthrough Genomics
Classification: Benign. Review status: criteria provided, single submitter. Criteria: ACMG Guidelines, 2015. Collection method: not provided. Allele origin: germline. Inheritance: Unknown mechanism. Affected: yes.

NM_138713.4(NFAT5):c.*172A>G

Gene: NFAT5 (nuclear factor of activated T cells 5; plus strand). Cytogenetic location: 16q22.1.
Variant type: single nucleotide variant.
Coding change: c.*172A>G on transcript NM_138713.4 (MANE Select); 172 bases downstream of the stop codon, A replaced by G.
Molecular consequence: 3 prime UTR variant.
Genome position (GRCh38, 1-based): chr16:69,696,523, A>G. VCF-style: chr16-69696523-A-G. GRCh37 (hg19) VCF-style: chr16-69730426-A-G.
Other names: c.*172A>G (NM_001113178.3, NM_001367709.1, NM_006599.4 and 2 more transcripts).
Identifiers: ClinVar variation 1227923 (VCV001227923.4), dbSNP rs1437134, ClinGen allele CA15877368.